The following is an entry in ClinVar:

NM_001127644.2(GABRA1):c.545del (p.Leu182fs)

Gene: GABRA1 (gamma-aminobutyric acid type A receptor subunit alpha1; plus strand). Cytogenetic location: 5q34.
Variant type: Deletion.
Coding change: c.545del on transcript NM_001127644.2 (MANE Select); coding-DNA position 545, one base deleted (T; older notation c.545delT).
Protein change: p.Leu182fs; shifts the reading frame from leucine 182.
Molecular consequence: frameshift variant.
Genome position (GRCh38, 1-based): chr5:161,875,628, T deleted. VCF-style (leftmost placement, unchanged base first): chr5-161875627-CT-C. GRCh37 (hg19) VCF-style: chr5-161302633-CT-C.
Other names: c.545del, p.Leu182fs (NM_000806.5, NM_001127643.2, NM_001127645.2 and 1 more transcripts); short protein forms L182fs.
Identifiers: ClinVar variation 2571942 (VCV002571942.1), dbSNP rs2532244616, ClinGen allele CA2580614788.

ClinVar aggregate classification (germline): Uncertain significance (1 of 4 stars; one submission).

Submission:

GeneDx
Classification: Uncertain significance. Last evaluated: 2023-01-09. Review status: criteria provided, single submitter. Criteria: GeneDx Variant Classification Process June 2021. Collection method: clinical testing. Allele origin: germline. Affected: yes.
Comment: Not observed at significant frequency in large population cohorts (gnomAD); Frameshift variant predicted to result in protein truncation or nonsense mediated decay in a gene or region of a gene for which loss of function is not a well-established mechanism of disease; Has not been previously published as pathogenic or benign to our knowledge